The following is an entry in ClinVar:

ClinVar aggregate classification (germline): Uncertain significance (3 of 4 stars; one submission).

Conditions:
Open-angle glaucoma. Identifiers: MedGen C0017612, MONDO:0005338, HP:0012108.

Submission:

ClinGen Glaucoma Variant Curation Expert Panel
Classification: Uncertain significance for Open-angle glaucoma. Last evaluated: 2026-01-12. Review status: reviewed by expert panel. Criteria: ClinGen Glaucoma ACMG Specifications V2.0.0 Approved. Collection method: curation. Allele origin: germline. Inheritance: Autosomal dominant inheritance.
Comment: The c.1486A>C variant in MYOC is a missense variant predicted to cause substitution of Threonine by Proline at amino acid 496 (p.Thr496Pro). This variant was not found in any genetic ancestry group of gnomAD (v4.1.0), meeting the ≤ 0.0001 threshold set for PM2_Supporting in a genetic ancestry group of at least 10,000 alleles. The REVEL score = 0.704, which was within the 0.644-0.772 range for PP3, predicting a damaging effect on MYOC function. There was no functional evidence predicting a damaging or benign impact of this variant on MYOC function. Only 1 proband with primary open angle glaucoma had been reported (PMID: 33793440), not meeting the ≥ 2 probands threshold required to meet PS4_Supporting. In summary, this variant met the criteria to receive a score of 2 and to be classified as a variant of uncertain significance (uncertain significance classification range -1 to 5, adapted from PMID: 32720330) for primary open angle glaucoma based on the ACMG/AMP criteria met, as specified by the ClinGen Glaucoma VCEP (v2.0.0, 5 Dec 2024): PP3, PM2_Supporting

NM_000261.2(MYOC):c.1486A>C (p.Thr496Pro)

Gene: MYOC (myocilin; minus strand). Cytogenetic location: 1q24.3.
Variant type: single nucleotide variant.
Coding change: c.1486A>C on transcript NM_000261.2 (MANE Select); coding-DNA position 1486, A replaced by C.
Protein change: p.Thr496Pro; replaces threonine 496 with proline.
Molecular consequence: missense variant.
Genome position (GRCh38, 1-based): chr1:171,635,954, T>G on the plus strand (A>C on the coding strand, the complement: MYOC is on the minus strand). VCF-style: chr1-171635954-T-G. GRCh37 (hg19) VCF-style: chr1-171605094-T-G.
Other names: NM_000261.2:c.1486A>C; short protein forms T496P.
Identifiers: ClinVar variation 2442279 (VCV002442279.2), dbSNP rs1239668610, ClinGen allele CA343722900.
Genomic context (GRCh38, chr1:171,635,954, plus strand): 5'-TCTGCCATTGCCTGTACAGCTTGGAGGCTTTTCACATCTTGGAGAGCTTGATGTCATAAG[T>G]GACCATGTTCAAGTTGTCCCAGGCAAAGAGCTTCTTCTCCAGGGGGTTGTAGTCAATCAT-3'
Protein context (NP_000252.1, residues 486-504): LFAWDNLNMV[Thr496Pro]YDIKLSKM